The following is an entry in ClinVar:

NM_001370259.2(MEN1):c.912+3G>T

Gene: MEN1 (menin 1; minus strand). Cytogenetic location: 11q13.1.
Variant type: single nucleotide variant.
Coding change: c.912+3G>T on transcript NM_001370259.2 (MANE Select); 3 bases into the intron after coding-DNA position 912, G replaced by T.
Molecular consequence: intron variant.
Genome position (GRCh38, 1-based): chr11:64,807,008, C>A on the plus strand (G>T on the coding strand, the complement: MEN1 is on the minus strand). VCF-style: chr11-64807008-C-A. GRCh37 (hg19) VCF-style: chr11-64574480-C-A.
Other names: c.927+3G>T (NM_130804.3, NM_130803.3, NM_000244.4 and 3 more transcripts); c.912+3G>T (NM_130799.3, NM_001370260.2, NM_001370251.2 and 1 more transcripts); c.807+3G>T (NM_001370263.2, NM_001370262.2).
Identifiers: ClinVar variation 2029225 (VCV002029225.1), dbSNP rs2497185922, ClinGen allele CA2580084495.

ClinVar aggregate classification (germline): Uncertain significance (1 of 4 stars; one submission).

Conditions:
Multiple endocrine neoplasia, type 1 (MEN1). Also called: MEN I; WERMER SYNDROME; Endocrine adenomatosis multiple; MEN 1; MEA I. Identifiers: Orphanet 652, MedGen C0025267, MeSH D018761, MONDO:0007540, OMIM 131100.

Submission:

Labcorp Genetics (formerly Invitae), Labcorp
Classification: Uncertain significance for Multiple endocrine neoplasia, type 1. Last evaluated: 2022-09-23. Review status: criteria provided, single submitter. Criteria: Invitae Variant Classification Sherloc (09022015). Collection method: clinical testing. Allele origin: germline.
Comment: This sequence change falls in intron 6 of the MEN1 gene. It does not directly change the encoded amino acid sequence of the MEN1 protein. It affects a nucleotide within the consensus splice site. This variant is not present in population databases (gnomAD no frequency). This variant has not been reported in the literature in individuals affected with MEN1-related conditions. Variants that disrupt the consensus splice site are a relatively common cause of aberrant splicing (PMID: 17576681, 9536098). Algorithms developed to predict the effect of sequence changes on RNA splicing suggest that this variant is not likely to affect RNA splicing. In summary, the available evidence is currently insufficient to determine the role of this variant in disease. Therefore, it has been classified as a Variant of Uncertain Significance.

Literature cited by the submitters: PubMed 17576681; PubMed 9536098.